The following is an entry in ClinVar:

NM_022124.6(CDH23):c.6026T>A (p.Leu2009His)

Gene: CDH23 (cadherin related 23; plus strand). Cytogenetic location: 10q22.1.
Variant type: single nucleotide variant.
Coding change: c.6026T>A on transcript NM_022124.6 (MANE Select); coding-DNA position 6026, T replaced by A.
Protein change: p.Leu2009His; replaces leucine 2009 with histidine.
Molecular consequence: missense variant.
Genome position (GRCh38, 1-based): chr10:71,790,390, T>A. VCF-style: chr10-71790390-T-A. GRCh37 (hg19) VCF-style: chr10-73550147-T-A.
Other names: short protein forms L2009H.
Identifiers: ClinVar variation 45998 (VCV000045998.13), dbSNP rs201067092, ClinGen allele CA137517.

ClinVar aggregate classification (germline): Conflicting classifications of pathogenicity. Review status: criteria provided, conflicting classifications (1 of 4 stars). 7 submissions from 7 submitters: Uncertain significance (5); Likely benign (1). 1 of the submissions does not count toward it. Last evaluated 2026-01-13.

Conditions:
CDH23-related disorder. Also called: CDH23-related disorders; CDH23-related condition.
Inborn genetic diseases. Identifiers: MedGen C0950123, MeSH D030342.
Usher syndrome type 1 (USH1). Also called: RETINITIS PIGMENTOSA AND CONGENITAL DEAFNESS. Identifiers: Orphanet 231169, Orphanet 886, MedGen C1568247, MONDO:0010168, OMIM 276900.

Allele frequency attached by ClinVar (database versions not stated): gnomAD exomes 0.00002 and 0.00006; ExAC 0.00006; gnomAD 0.00023 and 0.00025; ESP Exome Variant Server 0.00032; TOPMed 0.00034.
gnomAD v4.1: 70 of 1,613,314 alleles (0.0043%); highest among the groups gnomAD compares: African/African-American, 0.091%; no homozygotes.

Submissions (7):

Labcorp Genetics (formerly Invitae), Labcorp
Classification: Likely benign. Last evaluated: 2026-01-13. Review status: criteria provided, single submitter. Criteria: Invitae Variant Classification Sherloc (09022015). Collection method: clinical testing. Allele origin: germline.

PreventionGenetics, part of Exact Sciences
Classification: Uncertain significance for CDH23-related condition. Last evaluated: 2025-12-31. Review status: criteria provided, single submitter. Criteria: ACMG Guidelines, 2015. Collection method: clinical testing. Allele origin: germline.
Comment: The CDH23 c.6026T>A variant is predicted to result in the amino acid substitution p.Leu2009His. To our knowledge, this variant has not been reported in the literature. This variant is reported in 0.079% of alleles in individuals of African descent in gnomAD, which may be too frequent to be a primary cause of disease. Although we suspect that this variant may be benign, at this time, the clinical significance of this variant is uncertain due to the absence of conclusive functional and genetic evidence.

Ambry Genetics
Classification: Uncertain significance for Inborn genetic diseases. Last evaluated: 2024-08-26. Review status: criteria provided, single submitter. Criteria: Ambry Variant Classification Scheme 2023. Collection method: clinical testing. Allele origin: germline.

GeneDx
Classification: Uncertain significance. Last evaluated: 2024-03-25. Review status: criteria provided, single submitter. Criteria: GeneDx Variant Classification Process June 2021. Collection method: clinical testing. Allele origin: germline. Affected: yes.
Comment: In silico analysis supports that this missense variant does not alter protein structure/function; Has not been previously published as pathogenic or benign to our knowledge

Blueprint Genetics
Classification: Uncertain significance. Last evaluated: 2023-09-01. Review status: criteria provided, single submitter. Criteria: ACMG Guidelines, 2015. Collection method: clinical testing. Allele origin: germline.

Laboratory for Molecular Medicine, Mass General Brigham Personalized Medicine
Classification: Uncertain significance. Last evaluated: 2016-06-02. Review status: criteria provided, single submitter. Criteria: LMM Criteria. Collection method: clinical testing. Allele origin: germline. Observed: 2 variant alleles.
Comment: This variant ha s been identified in 7/9042 African chromosomes by the Exome Aggregation Consort ium (ExAC; dbSNP rs201067092). Although this var iant has been seen in the general population, its frequency is not high enough t o rule out a pathogenic role. Computational prediction tools and conservation an alyses suggest that this variant may impact the protein, though this information is not predictive enough to determine pathogenicity. In summary, the clinical s ignificance of the p.Leu2009His variant is uncertain.

Natera, Inc.
Classification: Uncertain significance for Usher syndrome type 1. Last evaluated: 2019-10-28. Review status: no assertion criteria provided. Collection method: clinical testing. Allele origin: germline. Not counted in ClinVar's aggregate classification.